The following is an entry in ClinVar:

NM_022829.6(SLC13A3):c.173C>T (p.Pro58Leu)

Gene: SLC13A3 (solute carrier family 13 member 3; minus strand). Cytogenetic location: 20q13.12.
Variant type: single nucleotide variant.
Coding change: c.173C>T on transcript NM_022829.6 (MANE Select); coding-DNA position 173, C replaced by T.
Protein change: p.Pro58Leu; replaces proline 58 with leucine.
Molecular consequence: missense variant. On other transcripts: intron variant (1).
Genome position (GRCh38, 1-based): chr20:46,613,664, G>A on the plus strand (C>T on the coding strand, the complement: SLC13A3 is on the minus strand). VCF-style: chr20-46613664-G-A. GRCh37 (hg19) VCF-style: chr20-45242303-G-A.
Other names: c.32C>T, p.Pro11Leu (NM_001011554.3, NM_001193340.2); c.173C>T, p.Pro58Leu (NM_001193339.2); c.-10-112C>T (NM_001193342.2); short protein forms P11L, P58L.
Identifiers: ClinVar variation 1486474 (VCV001486474.6), dbSNP rs377469850, ClinGen allele CA9891698.

ClinVar aggregate classification (germline): Uncertain significance (1 of 4 stars; one submission).

Allele frequency attached by ClinVar (database versions not stated): gnomAD 0.00001; gnomAD exomes 0.00001 and 0.00002; ExAC 0.00003; TOPMed 0.00003; ESP Exome Variant Server 0.00008.
gnomAD v4.1: 15 of 1,612,060 alleles (0.00093%); highest among the groups gnomAD compares: Admixed American, 0.015%; no homozygotes.

Submission:

Labcorp Genetics (formerly Invitae), Labcorp
Classification: Uncertain significance. Last evaluated: 2025-01-27. Review status: criteria provided, single submitter. Criteria: Invitae Variant Classification Sherloc (09022015). Collection method: clinical testing. Allele origin: germline.
Comment: This sequence change replaces proline, which is neutral and non-polar, with leucine, which is neutral and non-polar, at codon 58 of the SLC13A3 protein (p.Pro58Leu). The frequency data for this variant in the population databases is considered unreliable, as metrics indicate poor data quality at this position in the gnomAD database. This variant has not been reported in the literature in individuals affected with SLC13A3-related conditions. ClinVar contains an entry for this variant (Variation ID: 1486474). Invitae Evidence Modeling of protein sequence and biophysical properties (such as structural, functional, and spatial information, amino acid conservation, physicochemical variation, residue mobility, and thermodynamic stability) indicates that this missense variant is expected to disrupt SLC13A3 protein function with a positive predictive value of 80%. In summary, the available evidence is currently insufficient to determine the role of this variant in disease. Therefore, it has been classified as a Variant of Uncertain Significance.